The following is an entry in ClinVar:

ClinVar aggregate classification (germline): Likely benign (1 of 4 stars; one submission).

Submission:

CeGaT Center for Human Genetics Tuebingen
Classification: Likely benign. Last evaluated: 2026-09-01. Review status: criteria provided, single submitter. Criteria: CeGaT Center For Human Genetics Tuebingen Variant Classification Criteria Version 2. Collection method: clinical testing. Allele origin: germline. Affected: yes. Observed: 30 variant alleles.
Comment: SHANK3: BS1

NM_001372044.2(SHANK3):c.2220-196_2220-195insCCCAC

Gene: SHANK3 (SH3 and multiple ankyrin repeat domains 3; plus strand). Cytogenetic location: 22q13.33.
Variant type: Microsatellite.
Coding change: c.2220-196_2220-195insCCCAC on transcript NM_001372044.2 (MANE Select); 196 bases into the intron before coding-DNA position 2220 through 195 bases into the intron before coding-DNA position 2220, CCCAC inserted.
Molecular consequence: intron variant.
Genome position: GRCh38 VCF-style: chr22-50705875-C-CCCCCA. GRCh37 (hg19) VCF-style: chr22-51144303-C-CCCCCA.
Identifiers: ClinVar variation 1675896 (VCV001675896.33), dbSNP rs947564448.